The following is an entry in ClinVar:

ClinVar aggregate classification (germline): Uncertain significance. Review status: criteria provided, single submitter (1 of 4 stars). 2 submissions from 2 submitters: Uncertain significance (1). 1 of the submissions does not count toward it. Last evaluated 2026-08-06.

Conditions:
Pseudoxanthoma elasticum, forme fruste. Also called: PSEUDOXANTHOMA ELASTICUM, HETEROZYGOUS; Pseudoxanthoma Elasticum, Incomplete. Identifiers: Orphanet 758, MedGen C1867450, MONDO:0008333, OMIM 177850.
Autosomal recessive inherited pseudoxanthoma elasticum (PXE). Identifiers: Orphanet 758, MedGen CN032334, MONDO:0009925, OMIM 264800.

Allele frequency attached by ClinVar (database versions not stated): TOPMed below 0.00001.
gnomAD v4.1: 3 of 1,610,728 alleles (0.00019%); highest among the groups gnomAD compares: Non-Finnish European, 0.00025%; no homozygotes.

Submissions (2):

OLLIN Analises Genomicas, OLLIN
Classification: Uncertain significance for Pseudoxanthoma elasticum, forme fruste. Last evaluated: 2026-08-06. Review status: criteria provided, single submitter. Criteria: ACMG Guidelines 2015 PMID 25741868. Collection method: clinical testing. Allele origin: germline. Inheritance: Autosomal recessive inheritance.
Comment: This missense variant, located in exon 28 (of 31), has been reported in ClinVar (accession VCV000433342.3) and in gnomAD with an allele frequency of 0.00019%. However, to our knowledge, it has not been reported in the scientific literature. In silico analysis predicts that this variant has a deleterious effect. According to the currently available evidence, this variant has been classified as uncertain significance (PM2_P, PP3_M).

PXE International
Classification: Pathogenic for Autosomal recessive inherited pseudoxanthoma elasticum. Last evaluated: 2021-03-01. Review status: no assertion criteria provided. Collection method: research. Allele origin: germline. Inheritance: Autosomal recessive inheritance. Affected: yes. Observed: 4 variant alleles. Clinical features observed: Papule (HP:0200034), Skin plaque (HP:0200035), Angioid streaks (HP:0001102). Not counted in ClinVar's aggregate classification.

Literature cited by the submitters: PubMed 32873932 (cited by PXE International).

NM_001171.6(ABCC6):c.4004T>C (p.Leu1335Pro)

Gene: ABCC6 (ATP binding cassette subfamily C member 6; minus strand). Cytogenetic location: 16p13.11.
Variant type: single nucleotide variant.
Coding change: c.4004T>C on transcript NM_001171.6 (MANE Select); coding-DNA position 4004, T replaced by C.
Protein change: p.Leu1335Pro; replaces leucine 1335 with proline.
Molecular consequence: missense variant. On other transcripts: non-coding transcript variant (1).
Genome position (GRCh38, 1-based): chr16:16,154,910, A>G on the plus strand (T>C on the coding strand, the complement: ABCC6 is on the minus strand). VCF-style: chr16-16154910-A-G. GRCh37 (hg19) VCF-style: chr16-16248767-A-G.
Other names: c.3662T>C, p.Leu1221Pro (NM_001351800.1); short protein forms L1335P, L1221P.
Identifiers: ClinVar variation 433342 (VCV000433342.4), dbSNP rs63750414, ClinGen allele CA278625382.